The following is an entry in ClinVar:

ClinVar aggregate classification (germline): Uncertain significance. Review status: criteria provided, multiple submitters, no conflicts (2 of 4 stars). 5 submissions from 5 submitters: Uncertain significance (5). Last evaluated 2026-03-18.

Conditions:
Cardiovascular phenotype. Identifiers: MedGen CN230736.
Catecholaminergic polymorphic ventricular tachycardia 1. Also called: VENTRICULAR TACHYCARDIA, CATECHOLAMINERGIC POLYMORPHIC, 1, WITH OR WITHOUT ATRIAL DYSFUNCTION AND/OR DILATED CARDIOMYOPATHY; RYR2-Related Catecholaminergic Polymorphic Ventricular Tachycardia; VENTRICULAR TACHYCARDIA, STRESS-INDUCED POLYMORPHIC 1. Identifiers: Orphanet 3286, MedGen C1631597, MONDO:0011484, OMIM 604772.

Allele frequency attached by ClinVar (database versions not stated): gnomAD exomes below 0.00001 and 0.00001; ExAC 0.00001; gnomAD 0.00001; TOPMed 0.00002; ESP Exome Variant Server 0.00008.
gnomAD v4.1: 2 of 1,613,676 alleles (0.00012%); highest among the groups gnomAD compares: African/African-American, 0.0027%; no homozygotes.

Submissions (5):

Women's Health and Genetics/Laboratory Corporation of America, LabCorp
Classification: Uncertain significance. Last evaluated: 2026-03-18. Review status: criteria provided, single submitter. Criteria: LabCorp Variant Classification Summary - May 2015. Collection method: clinical testing. Allele origin: germline.
Comment: Variant summary: RYR2 c.3677A>G (p.Tyr1226Cys) results in a non-conservative amino acid change in the encoded protein sequence. Algorithms developed to predict the effect of missense changes on protein structure and function all suggest that this variant is likely to be disruptive. The variant allele was found at a frequency of 8e-06 in 249080 control chromosomes. The available data on variant occurrences in the general population are insufficient to allow any conclusion about variant significance. To our knowledge, no occurrence of c.3677A>G in individuals affected with RYR2-related conditions and no experimental evidence demonstrating its impact on protein function have been reported. ClinVar contains an entry for this variant (Variation ID: 1677544). Based on the evidence outlined above, the variant was classified as uncertain significance.

Labcorp Genetics (formerly Invitae), Labcorp
Classification: Uncertain significance for Catecholaminergic polymorphic ventricular tachycardia 1. Last evaluated: 2026-01-09. Review status: criteria provided, single submitter. Criteria: Invitae Variant Classification Sherloc (09022015). Collection method: clinical testing. Allele origin: germline.
Comment: This sequence change replaces tyrosine, which is neutral and polar, with cysteine, which is neutral and slightly polar, at codon 1226 of the RYR2 protein (p.Tyr1226Cys). This variant is present in population databases (rs371124046, gnomAD 0.01%). This variant has not been reported in the literature in individuals affected with RYR2-related conditions. ClinVar contains an entry for this variant (Variation ID: 1677544). Invitae Evidence Modeling of protein sequence and biophysical properties (such as structural, functional, and spatial information, amino acid conservation, physicochemical variation, residue mobility, and thermodynamic stability) has been performed for this missense variant. However, the output from this modeling did not meet the statistical confidence thresholds required to predict the impact of this variant on RYR2 protein function. In summary, the available evidence is currently insufficient to determine the role of this variant in disease. Therefore, it has been classified as a Variant of Uncertain Significance.

Ambry Genetics
Classification: Uncertain significance for Cardiovascular phenotype. Last evaluated: 2025-07-28. Review status: criteria provided, single submitter. Criteria: Ambry Variant Classification Scheme 2023. Collection method: clinical testing. Allele origin: germline.
Comment: The p.Y1226C variant (also known as c.3677A>G), located in coding exon 30 of the RYR2 gene, results from an A to G substitution at nucleotide position 3677. The tyrosine at codon 1226 is replaced by cysteine, an amino acid with highly dissimilar properties. This amino acid position is highly conserved in available vertebrate species. In addition, this alteration is predicted to be deleterious by in silico analysis. Based on the available evidence, the clinical significance of this variant remains unclear.

GeneDx
Classification: Uncertain significance. Last evaluated: 2024-04-10. Review status: criteria provided, single submitter. Criteria: GeneDx Variant Classification Process June 2021. Collection method: clinical testing. Allele origin: germline. Affected: yes.
Comment: Has not been previously published as pathogenic or benign to our knowledge; Not observed at significant frequency in large population cohorts (gnomAD); In silico analysis supports that this missense variant has a deleterious effect on protein structure/function; Not located in one of the three hot-spot regions of the RYR2 gene, where the majority of pathogenic missense variants occur (PMID: 19926015); This variant is associated with the following publications: (PMID: 19926015)

AiLife Diagnostics
Classification: Uncertain significance. Last evaluated: 2021-10-04. Review status: criteria provided, single submitter. Criteria: ACMG Guidelines, 2015. Collection method: clinical testing. Allele origin: germline. Affected: yes. Observed: 1 variant allele.

NM_001035.3(RYR2):c.3677A>G (p.Tyr1226Cys)

Gene: RYR2 (ryanodine receptor 2; plus strand). Cytogenetic location: 1q43.
Variant type: single nucleotide variant.
Coding change: c.3677A>G on transcript NM_001035.3 (MANE Select); coding-DNA position 3677, A replaced by G.
Protein change: p.Tyr1226Cys; replaces tyrosine 1226 with cysteine.
Molecular consequence: missense variant.
Genome position (GRCh38, 1-based): chr1:237,589,871, A>G. VCF-style: chr1-237589871-A-G. GRCh37 (hg19) VCF-style: chr1-237753171-A-G.
Other names: short protein forms Y1226C.
Identifiers: ClinVar variation 1677544 (VCV001677544.9), dbSNP rs371124046, ClinGen allele CA086432.